The following is an entry in ClinVar:

ClinVar aggregate classification (germline): Likely benign (1 of 4 stars; one submission).

gnomAD v4.1: 4 of 1,604,520 alleles (0.00025%); highest among the groups gnomAD compares: South Asian, 0.0022%; no homozygotes.

Submission:

CeGaT Center for Human Genetics Tuebingen
Classification: Likely benign. Last evaluated: 2026-07-01. Review status: criteria provided, single submitter. Criteria: CeGaT Center For Human Genetics Tuebingen Variant Classification Criteria Version 2. Collection method: clinical testing. Allele origin: germline. Affected: yes. Observed: 1 variant allele.
Comment: ZNF292: BP4, BP7

NM_015021.3(ZNF292):c.7839C>T (p.Asp2613=)

Gene: ZNF292 (zinc finger protein 292; plus strand). Cytogenetic location: 6q14.3.
Variant type: single nucleotide variant.
Coding change: c.7839C>T on transcript NM_015021.3 (MANE Select); coding-DNA position 7839, C replaced by T.
Protein change: p.Asp2613=; no amino-acid change (aspartic acid 2613 retained).
Molecular consequence: synonymous variant.
Genome position (GRCh38, 1-based): chr6:87,261,468, C>T. VCF-style: chr6-87261468-C-T. GRCh37 (hg19) VCF-style: chr6-87971186-C-T.
Other names: c.7419C>T, p.Asp2473= (NM_001351444.2).
Identifiers: ClinVar variation 5039404 (VCV005039404.1).